The following is an entry in ClinVar:

NC_000017.11:g.82239966G>A

Genes: CSNK1D (casein kinase 1 delta; minus strand), SLC16A3 (solute carrier family 16 member 3; plus strand). Cytogenetic location: 17q25.3.
Variant type: single nucleotide variant.
Molecular consequence: 3 prime UTR variant (on NM_004207.4).
Genome position: GRCh38 VCF-style: chr17-82239966-G-A. GRCh37 (hg19) VCF-style: chr17-80197842-G-A.
Other names: c.*10C>T (NM_001363749.2); c.*990G>A (NM_001042422.3, NM_001042423.3, NM_001206950.2 and 3 more transcripts).
Identifiers: ClinVar variation 3053133 (VCV003053133.2), dbSNP rs966112068, ClinGen allele CA295178297.

ClinVar aggregate classification (germline): Likely benign (0 of 4 stars; one submission).

Conditions:
CSNK1D-related disorder. Also called: CSNK1D-related condition.

Allele frequency attached by ClinVar (database versions not stated): gnomAD 0.00002; TOPMed 0.00003; gnomAD exomes 0.00004.
gnomAD v4.1: 46 of 1,231,874 alleles (0.0037%); highest among the groups gnomAD compares: Admixed American, 0.0084%; no homozygotes.

Submission:

PreventionGenetics, part of Exact Sciences
Classification: Likely benign for CSNK1D-related condition. Last evaluated: 2019-08-30. Review status: no assertion criteria provided. Collection method: clinical testing. Allele origin: germline.
Comment: This variant is classified as likely benign based on ACMG/AMP sequence variant interpretation guidelines (Richards et al. 2015 PMID: 25741868, with internal and published modifications).